The following is an entry in ClinVar:

NM_003280.3(TNNC1):c.109A>G (p.Ser37Gly)

Gene: TNNC1 (troponin C1, slow skeletal and cardiac type; minus strand). Cytogenetic location: 3p21.1.
Variant type: single nucleotide variant.
Coding change: c.109A>G on transcript NM_003280.3 (MANE Select); coding-DNA position 109, A replaced by G.
Protein change: p.Ser37Gly; replaces serine 37 with glycine.
Molecular consequence: missense variant.
Genome position (GRCh38, 1-based): chr3:52,452,199, T>C on the plus strand (A>G on the coding strand, the complement: TNNC1 is on the minus strand). VCF-style: chr3-52452199-T-C. GRCh37 (hg19) VCF-style: chr3-52486215-T-C.
Other names: short protein forms S37G.
Identifiers: ClinVar variation 2430834 (VCV002430834.1), dbSNP rs2471444670, ClinGen allele CA353169049.

ClinVar aggregate classification (germline): Uncertain significance (1 of 4 stars; one submission).

Submission:

GeneDx
Classification: Uncertain significance. Last evaluated: 2022-08-16. Review status: criteria provided, single submitter. Criteria: GeneDx Variant Classification Process June 2021. Collection method: clinical testing. Allele origin: germline. Affected: yes.
Comment: Not observed at significant frequency in large population cohorts (gnomAD); In silico analysis supports that this missense variant has a deleterious effect on protein structure/function; Has not been previously published as pathogenic or benign to our knowledge